The following is an entry in ClinVar:

ClinVar aggregate classification (germline): Uncertain significance (1 of 4 stars; one submission).

gnomAD v4.1: 2 of 1,554,410 alleles (0.00013%); highest among the groups gnomAD compares: African/African-American, 0.0027%; no homozygotes.

Submission:

GeneDx
Classification: Uncertain significance. Last evaluated: 2026-02-09. Review status: criteria provided, single submitter. Criteria: GeneDx Variant Classification Process June 2021. Collection method: clinical testing. Allele origin: germline.
Comment: Not observed at significant frequency in large population cohorts (gnomAD); In silico analysis suggests that this missense variant does not alter protein structure/function; Has not been previously published as pathogenic or benign to our knowledge

NM_001940.4(ATN1):c.2077G>C (p.Gly693Arg)

Gene: ATN1 (atrophin 1; plus strand). Cytogenetic location: 12p13.31.
Variant type: single nucleotide variant.
Coding change: c.2077G>C on transcript NM_001940.4 (MANE Select); coding-DNA position 2077, G replaced by C.
Protein change: p.Gly693Arg; replaces glycine 693 with arginine.
Molecular consequence: missense variant.
Genome position (GRCh38, 1-based): chr12:6,937,344, G>C. VCF-style: chr12-6937344-G-C. GRCh37 (hg19) VCF-style: chr12-7046507-G-C.
Other names: c.2077G>C, p.Gly693Arg (NM_001007026.2, NM_001424176.1, NM_001424177.1 and 1 more transcripts); c.2074G>C, p.Gly692Arg (NM_001424179.1, NM_001424180.1); short protein forms G692R, G693R.
Identifiers: ClinVar variation 4976472 (VCV004976472.1).